The following is an entry in ClinVar:

ClinVar aggregate classification (germline): Likely pathogenic (1 of 4 stars; one submission).

Conditions:
GRN-related frontotemporal lobar degeneration with Tdp43 inclusions (FTD2). Also called: DEMENTIA, HEREDITARY DYSPHASIC DISINHIBITION; FRONTOTEMPORAL LOBAR DEGENERATION WITH UBIQUITIN-POSITIVE INCLUSIONS; FTLD-TDP, GRN-RELATED; GRN Frontotemporal Dementia; FRONTOTEMPORAL DEMENTIA WITH TDP43 INCLUSIONS, GRN-RELATED. Identifiers: Orphanet 100070, Orphanet 282, MedGen C1843792, MONDO:0011842, OMIM 607485. Disease mechanism: loss of function.

Submission:

Concord Molecular Medicine Laboratory, Concord Repatriation General Hospital
Classification: Likely pathogenic for GRN-related frontotemporal lobar degeneration with Tdp43 inclusions. Last evaluated: 2024-06-08. Review status: criteria provided, single submitter. Criteria: ACMG Guidelines, 2015. Collection method: clinical testing. Allele origin: unknown. Affected: yes. Observed: 1 heterozygote.
Comment: This nucleotide change results in the introduction of a premature termination in the 5' end of the penultimate coding exon. This transcript is predicted to be subject to nonsense mediated decay. Haploinsufficiency is a well established mechanism of disease in GRN (PMID: 16862116, 16950801, 22608501; gnomAD pLoF: 0.59). The variant is absent in control population (gnomAD v.4.1.0) and has not been described in literature.

NM_002087.4(GRN):c.1435C>T (p.Gln479Ter)

Gene: GRN (granulin precursor; plus strand). Cytogenetic location: 17q21.31.
Variant type: single nucleotide variant.
Coding change: c.1435C>T on transcript NM_002087.4 (MANE Select); coding-DNA position 1435, C replaced by T.
Protein change: p.Gln479Ter; replaces glutamine 479 with a stop codon.
Molecular consequence: nonsense.
Genome position (GRCh38, 1-based): chr17:44,352,362, C>T. VCF-style: chr17-44352362-C-T. GRCh37 (hg19) VCF-style: chr17-42429730-C-T.
Other names: short protein forms Q479*.
Identifiers: ClinVar variation 3239636 (VCV003239636.2), dbSNP rs1141754.